The following is an entry in ClinVar:

NM_000117.3(EMD):c.542A>G (p.Tyr181Cys)

Gene: EMD (emerin; plus strand). Cytogenetic location: Xq28.
Variant type: single nucleotide variant.
Coding change: c.542A>G on transcript NM_000117.3 (MANE Select); coding-DNA position 542, A replaced by G.
Protein change: p.Tyr181Cys; replaces tyrosine 181 with cysteine.
Molecular consequence: missense variant.
Genome position (GRCh38, 1-based): chrX:154,380,974, A>G. VCF-style: chrX-154380974-A-G. GRCh37 (hg19) VCF-style: chrX-153609334-A-G.
Other names: short protein forms Y181C.
Identifiers: ClinVar variation 1036935 (VCV001036935.10), dbSNP rs1569552104, ClinGen allele CA415258759.

ClinVar aggregate classification (germline): Uncertain significance (1 of 4 stars; one submission).

Conditions:
X-linked Emery-Dreifuss muscular dystrophy. Also called: Muscular dystrophy, tardive Emery-Dreifuss type, with contractures. Identifiers: Orphanet 261, Orphanet 98863, MedGen C0751337, MONDO:0010680.

Allele frequency attached by ClinVar (database versions not stated): gnomAD exomes below 0.00001 and 0.00001.
gnomAD v4.1: 1 of 1,210,858 alleles (0.000083%); highest among the groups gnomAD compares: South Asian, 0.0018%; no homozygotes.

Submission:

Labcorp Genetics (formerly Invitae), Labcorp
Classification: Uncertain significance for X-linked Emery-Dreifuss muscular dystrophy. Last evaluated: 2023-10-14. Review status: criteria provided, single submitter. Criteria: Invitae Variant Classification Sherloc (09022015). Collection method: clinical testing. Allele origin: germline.
Comment: This sequence change replaces tyrosine, which is neutral and polar, with cysteine, which is neutral and slightly polar, at codon 181 of the EMD protein (p.Tyr181Cys). This variant is not present in population databases (gnomAD no frequency). This variant has not been reported in the literature in individuals affected with EMD-related conditions. ClinVar contains an entry for this variant (Variation ID: 1036935). Advanced modeling of protein sequence and biophysical properties (such as structural, functional, and spatial information, amino acid conservation, physicochemical variation, residue mobility, and thermodynamic stability) performed at Invitae indicates that this missense variant is not expected to disrupt EMD protein function. In summary, the available evidence is currently insufficient to determine the role of this variant in disease. Therefore, it has been classified as a Variant of Uncertain Significance.